The following is an entry in ClinVar:

NM_015046.7(SETX):c.7149T>A (p.Asp2383Glu)

Gene: SETX (senataxin; minus strand). Cytogenetic location: 9q34.13.
Variant type: single nucleotide variant.
Coding change: c.7149T>A on transcript NM_015046.7 (MANE Select); coding-DNA position 7149, T replaced by A.
Protein change: p.Asp2383Glu; replaces aspartic acid 2383 with glutamic acid.
Molecular consequence: missense variant.
Genome position (GRCh38, 1-based): chr9:132,271,760, A>T on the plus strand (T>A on the coding strand, the complement: SETX is on the minus strand). VCF-style: chr9-132271760-A-T. GRCh37 (hg19) VCF-style: chr9-135147147-A-T.
Other names: c.7149T>A, p.Asp2383Glu (NM_001351527.2, NM_001351528.2); short protein forms D2383E.
Identifiers: ClinVar variation 3251121 (VCV003251121.20), dbSNP rs1325142907.

ClinVar aggregate classification (germline): Uncertain significance. Review status: criteria provided, multiple submitters, no conflicts (2 of 4 stars). 2 submissions from 2 submitters: Uncertain significance (2). Last evaluated 2024-09-29.

Conditions:
Spinocerebellar ataxia, autosomal recessive, with axonal neuropathy 2 (SCAN2). Also called: ATAXIA-OCULOMOTOR APRAXIA 2; Ataxia with Oculomotor Apraxia; Ataxia-ocular apraxia-2; Ataxia with Oculomotor Apraxia Type 2. Identifiers: Orphanet 64753, MedGen C1853761, MONDO:0018996, OMIM 606002.
Amyotrophic lateral sclerosis type 4 (ALS4). Also called: AMYOTROPHIC LATERAL SCLEROSIS 4, JUVENILE; NEURONOPATHY, DISTAL HEREDITARY MOTOR, WITH PYRAMIDAL FEATURES. Identifiers: Orphanet 357043, MedGen C1865409, MONDO:0011223, OMIM 602433.

Allele frequency attached by ClinVar (database versions not stated): gnomAD 0.00001; TOPMed 0.00001.
gnomAD v4.1: 1 of 1,613,998 alleles (0.000062%); highest among the groups gnomAD compares: Admixed American, 0.0017%; no homozygotes.

Submissions (2):

Labcorp Genetics (formerly Invitae), Labcorp
Classification: Uncertain significance for Amyotrophic lateral sclerosis type 4; Spinocerebellar ataxia, autosomal recessive, with axonal neuropathy 2. Last evaluated: 2024-09-29. Review status: criteria provided, single submitter. Criteria: Invitae Variant Classification Sherloc (09022015). Collection method: clinical testing. Allele origin: germline.
Comment: This sequence change replaces aspartic acid, which is acidic and polar, with glutamic acid, which is acidic and polar, at codon 2383 of the SETX protein (p.Asp2383Glu). This variant is not present in population databases (gnomAD no frequency). This variant has not been reported in the literature in individuals affected with SETX-related conditions. Invitae Evidence Modeling of protein sequence and biophysical properties (such as structural, functional, and spatial information, amino acid conservation, physicochemical variation, residue mobility, and thermodynamic stability) indicates that this missense variant is not expected to disrupt SETX protein function with a negative predictive value of 95%. In summary, the available evidence is currently insufficient to determine the role of this variant in disease. Therefore, it has been classified as a Variant of Uncertain Significance.

CeGaT Center for Human Genetics Tuebingen
Classification: Uncertain significance. Last evaluated: 2024-06-01. Review status: criteria provided, single submitter. Criteria: CeGaT Center For Human Genetics Tuebingen Variant Classification Criteria Version 2. Collection method: clinical testing. Allele origin: germline. Affected: yes. Observed: 1 variant allele.
Comment: SETX: PM2